The following is an entry in ClinVar:

NM_012281.3(KCND2):c.1770A>C (p.Gln590His)

Gene: KCND2 (potassium voltage-gated channel subfamily D member 2; plus strand). Cytogenetic location: 7q31.31.
Variant type: single nucleotide variant.
Coding change: c.1770A>C on transcript NM_012281.3 (MANE Select); coding-DNA position 1770, A replaced by C.
Protein change: p.Gln590His; replaces glutamine 590 with histidine.
Molecular consequence: missense variant.
Genome position (GRCh38, 1-based): chr7:120,747,735, A>C. VCF-style: chr7-120747735-A-C. GRCh37 (hg19) VCF-style: chr7-120387789-A-C.
Other names: short protein forms Q590H.
Identifiers: ClinVar variation 3347093 (VCV003347093.1).

ClinVar aggregate classification (germline): Uncertain significance (0 of 4 stars; one submission).

Conditions:
KCND2-related disorder. Also called: KCND2-related condition.

Submission:

PreventionGenetics, part of Exact Sciences
Classification: Uncertain significance for KCND2-related condition. Last evaluated: 2024-05-16. Review status: no assertion criteria provided. Collection method: clinical testing. Allele origin: germline.
Comment: The KCND2 c.1770A>C variant is predicted to result in the amino acid substitution p.Gln590His. To our knowledge, this variant has not been reported in the literature or in a large population database, indicating this variant is rare. At this time, the clinical significance of this variant is uncertain due to the absence of conclusive functional and genetic evidence.